The following is an entry in ClinVar:

ClinVar aggregate classification (germline): Benign. Review status: criteria provided, single submitter (1 of 4 stars). 2 submissions from 2 submitters: Benign (1). 1 of the submissions does not count toward it. Last evaluated 2025-09-19.

Conditions:
NSMCE2-related disorder. Also called: NSMCE2-related condition.

Allele frequency attached by ClinVar (database versions not stated): gnomAD exomes 0.00030 and 0.00071; ExAC 0.00082; 1000 Genomes Project 0.00200; 1000 Genomes Project 30x 0.00234; ESP Exome Variant Server 0.00285; gnomAD 0.00310 and 0.00339; TOPMed 0.00338.
gnomAD v4.1: 915 of 1,608,768 alleles (0.057%); highest among the groups gnomAD compares: African/African-American, 1.1%; 5 homozygotes.

Submissions (2):

Labcorp Genetics (formerly Invitae), Labcorp
Classification: Benign. Last evaluated: 2025-09-19. Review status: criteria provided, single submitter. Criteria: Invitae Variant Classification Sherloc (09022015). Collection method: clinical testing. Allele origin: germline.

PreventionGenetics, part of Exact Sciences
Classification: Benign for NSMCE2-related condition. Last evaluated: 2019-09-11. Review status: no assertion criteria provided. Collection method: clinical testing. Allele origin: germline. Not counted in ClinVar's aggregate classification.
Comment: This variant is classified as benign based on ACMG/AMP sequence variant interpretation guidelines (Richards et al. 2015 PMID: 25741868, with internal and published modifications).

NM_173685.4(NSMCE2):c.377T>G (p.Phe126Cys)

Gene: NSMCE2 (NSE2 SUMO ligase component of SMC5/6 complex; plus strand). Cytogenetic location: 8q24.13.
Variant type: single nucleotide variant.
Coding change: c.377T>G on transcript NM_173685.4 (MANE Select); coding-DNA position 377, T replaced by G.
Protein change: p.Phe126Cys; replaces phenylalanine 126 with cysteine.
Molecular consequence: missense variant. On other transcripts: non-coding transcript variant (2).
Genome position (GRCh38, 1-based): chr8:125,182,215, T>G. VCF-style: chr8-125182215-T-G. GRCh37 (hg19) VCF-style: chr8-126194457-T-G.
Other names: c.377T>G, p.Phe126Cys (NM_001349485.2, NM_001349486.2, NM_001349487.2); short protein forms F126C.
Identifiers: ClinVar variation 717224 (VCV000717224.12), dbSNP rs150168649, ClinGen allele CA4874377.
Genomic context (GRCh38, chr8:125,182,215, plus strand): 5'-AGAAATTTTTGGCTTTACAGAGCAAGAATTCTGATGCAGACTTTCAAAATAATGAAAAAT[T>G]TGTACAGTTTAAACAACAGCTGAAAGAACTAAAGAAGCAATGTAAGTCAACATGCTTTGC-3'
Protein context (NP_775956.1, residues 116-136): SDADFQNNEK[Phe126Cys]VQFKQQLKEL